The following is an entry in ClinVar:

ClinVar aggregate classification (germline): Uncertain significance. Review status: criteria provided, multiple submitters, no conflicts (2 of 4 stars). 4 submissions from 4 submitters: Uncertain significance (3). 1 of the submissions does not count toward it. Last evaluated 2022-10-12.

Conditions:
Charcot-Marie-Tooth disease. Also called: Charcot-Marie-Tooth Hereditary Neuropathy; Charcot-Marie-Tooth Neuropathy. Identifiers: Orphanet 166, MedGen C0007959, MONDO:0015626.
MARS1-related disorder. Also called: MARS1-related condition.
Severe early-onset pulmonary alveolar proteinosis due to MARS deficiency. Also called: PULMONARY ALVEOLAR PROTEINOSIS, REUNION ISLAND; Interstitial lung and liver disease. Identifiers: Orphanet 440427, MedGen C4225400, MONDO:0014206, OMIM 615486.
Charcot-Marie-Tooth disease axonal type 2U. Also called: CHARCOT-MARIE-TOOTH DISEASE, AXONAL, AUTOSOMAL DOMINANT, TYPE 2U; CHARCOT-MARIE-TOOTH NEUROPATHY, TYPE 2U. Identifiers: Orphanet 397735, MedGen C4084821, MONDO:0014566, OMIM 616280.

gnomAD v4.1: 3 of 1,614,170 alleles (0.00019%); highest among the groups gnomAD compares: Non-Finnish European, 0.00025%; no homozygotes.

Submissions (4):

Ambry Genetics
Classification: Uncertain significance. Last evaluated: 2022-10-12. Review status: criteria provided, single submitter. Criteria: Ambry Variant Classification Scheme 2023. Collection method: clinical testing. Allele origin: germline.

Labcorp Genetics (formerly Invitae), Labcorp
Classification: Uncertain significance for Charcot-Marie-Tooth disease axonal type 2U; Severe early-onset pulmonary alveolar proteinosis due to MARS deficiency. Last evaluated: 2022-07-06. Review status: criteria provided, single submitter. Criteria: Invitae Variant Classification Sherloc (09022015). Collection method: clinical testing. Allele origin: germline.
Comment: In summary, the available evidence is currently insufficient to determine the role of this variant in disease. Therefore, it has been classified as a Variant of Uncertain Significance. Algorithms developed to predict the effect of missense changes on protein structure and function are either unavailable or do not agree on the potential impact of this missense change (SIFT: "Deleterious"; PolyPhen-2: "Probably Damaging"; Align-GVGD: "Class C0"). ClinVar contains an entry for this variant (Variation ID: 917128). This variant has not been reported in the literature in individuals affected with MARS-related conditions. This variant is not present in population databases (gnomAD no frequency). This sequence change replaces proline, which is neutral and non-polar, with leucine, which is neutral and non-polar, at codon 329 of the MARS protein (p.Pro329Leu).

Molecular Genetics Laboratory, London Health Sciences Centre
Classification: Uncertain significance for Charcot-Marie-Tooth disease. Review status: criteria provided, single submitter. Criteria: ACMG Guidelines, 2015. Collection method: clinical testing. Allele origin: germline. Affected: yes.

PreventionGenetics, part of Exact Sciences
Classification: Uncertain significance for MARS1-related condition. Last evaluated: 2024-07-25. Review status: no assertion criteria provided. Collection method: clinical testing. Allele origin: germline. Not counted in ClinVar's aggregate classification.
Comment: The MARS1 c.986C>T variant is predicted to result in the amino acid substitution p.Pro329Leu. To our knowledge, this variant has not been reported in the literature or in a large population database, indicating this variant is rare. At this time, the clinical significance of this variant is uncertain due to the absence of conclusive functional and genetic evidence.

NM_004990.4(MARS1):c.986C>T (p.Pro329Leu)

Gene: MARS1 (methionyl-tRNA synthetase 1; plus strand). Cytogenetic location: 12q13.3.
Variant type: single nucleotide variant.
Coding change: c.986C>T on transcript NM_004990.4 (MANE Select); coding-DNA position 986, C replaced by T.
Protein change: p.Pro329Leu; replaces proline 329 with leucine.
Molecular consequence: missense variant.
Genome position (GRCh38, 1-based): chr12:57,498,518, C>T. VCF-style: chr12-57498518-C-T. GRCh37 (hg19) VCF-style: chr12-57892301-C-T.
Other names: short protein forms P329L.
Identifiers: ClinVar variation 917128 (VCV000917128.11), dbSNP rs145260922, ClinGen allele CA385455771.